The following is an entry in ClinVar:

NM_000051.4(ATM):c.7410T>G (p.Tyr2470Ter)

Genes: ATM (ATM serine/threonine kinase; plus strand), C11orf65 (chromosome 11 open reading frame 65; minus strand). Cytogenetic location: 11q22.3.
Variant type: single nucleotide variant.
Coding change: c.7410T>G on transcript NM_000051.4 (MANE Select); coding-DNA position 7410, T replaced by G.
Protein change: p.Tyr2470Ter; replaces tyrosine 2470 with a stop codon.
Molecular consequence: nonsense. On other transcripts: intron variant (2).
Genome position (GRCh38, 1-based): chr11:108,330,316, T>G. VCF-style: chr11-108330316-T-G. GRCh37 (hg19) VCF-style: chr11-108201043-T-G.
Other names: c.7410T>G, p.Tyr2470Ter (NM_001351834.2); c.641-21245A>C (NM_001330368.2); c.*38+4904A>C (NM_001351110.2); short protein forms Y2470*.
Identifiers: ClinVar variation 3148051 (VCV003148051.2), dbSNP rs1555123144, ClinGen allele CA382560153.

ClinVar aggregate classification (germline): Pathogenic/Likely pathogenic. Review status: criteria provided, multiple submitters, no conflicts (2 of 4 stars). 2 submissions from 2 submitters: Pathogenic (1); Likely pathogenic (1). Last evaluated 2024-03-14.

Conditions:
Familial cancer of breast. Also called: hereditary breast carcinoma; BREAST CANCER, FAMILIAL; Hereditary breast cancer. Identifiers: Orphanet 227535, MedGen C0346153, MONDO:0016419, OMIM 114480. Disease mechanism: loss of function.

Submissions (2):

Baylor Genetics
Classification: Likely pathogenic for Familial cancer of breast. Last evaluated: 2024-03-14. Review status: criteria provided, single submitter. Criteria: ACMG Guidelines, 2015. Collection method: clinical testing. Allele origin: unknown.

Myriad Genetics, Inc.
Classification: Pathogenic for Familial cancer of breast. Last evaluated: 2024-01-31. Review status: criteria provided, single submitter. Criteria: Myriad Autosomal Dominant, Autosomal Recessive and X-Linked Classification Criteria (2023). Collection method: clinical testing. Allele origin: unknown.
Comment: This variant is considered pathogenic. This variant creates a termination codon and is predicted to result in premature protein truncation.